The following is an entry in ClinVar:

ClinVar aggregate classification (germline): Likely benign. Review status: criteria provided, multiple submitters, no conflicts (2 of 4 stars). 5 submissions from 5 submitters: Likely benign (4). 1 of the submissions does not count toward it. Last evaluated 2026-06-01.

Conditions:
Early-infantile DEE. Also called: Early infantile epileptic encephalopathy; Ohtahara syndrome; Early infantile epileptic encephalopathy with suppression bursts. Identifiers: Orphanet 1934, MedGen C0393706, MONDO:0800491.
SCN1A-related disorder. Also called: SCN1A-related conditions; SCN1A-related condition; SCN1A-related disorders.
Inborn genetic diseases. Identifiers: MedGen C0950123, MeSH D030342.

Allele frequency attached by ClinVar (database versions not stated): ESP Exome Variant Server 0.00008; 1000 Genomes Project 30x 0.00016; 1000 Genomes Project 0.00020; ExAC 0.00022; gnomAD 0.00026; TOPMed 0.00026; gnomAD exomes 0.00027 and 0.00044.
gnomAD v4.1: 654 of 1,505,980 alleles (0.043%); highest among the groups gnomAD compares: Non-Finnish European, 0.051%; no homozygotes.

Submissions (5):

CeGaT Center for Human Genetics Tuebingen
Classification: Likely benign. Last evaluated: 2026-06-01. Review status: criteria provided, single submitter. Criteria: CeGaT Center For Human Genetics Tuebingen Variant Classification Criteria Version 2. Collection method: clinical testing. Allele origin: germline. Affected: yes. Observed: 1 variant allele.
Comment: SCN1A: BS1

Labcorp Genetics (formerly Invitae), Labcorp
Classification: Likely benign for Early-infantile DEE. Last evaluated: 2022-10-25. Review status: criteria provided, single submitter. Criteria: Invitae Variant Classification Sherloc (09022015). Collection method: clinical testing. Allele origin: germline.

Ambry Genetics
Classification: Likely benign for Inborn genetic diseases. Last evaluated: 2021-09-30. Review status: criteria provided, single submitter. Criteria: Ambry Variant Classification Scheme 2023. Collection method: clinical testing. Allele origin: germline.

GeneDx
Classification: Likely benign. Last evaluated: 2020-01-03. Review status: criteria provided, single submitter. Criteria: GeneDx Variant Classification Process June 2021. Collection method: clinical testing. Allele origin: germline. Affected: yes.
Comment: This variant is associated with the following publications: (PMID: 28202706)

PreventionGenetics, part of Exact Sciences
Classification: Likely benign for SCN1A-related condition. Last evaluated: 2020-09-22. Review status: no assertion criteria provided. Collection method: clinical testing. Allele origin: germline. Not counted in ClinVar's aggregate classification.
Comment: This variant is classified as likely benign based on ACMG/AMP sequence variant interpretation guidelines (Richards et al. 2015 PMID: 25741868, with internal and published modifications).

NM_001165963.4(SCN1A):c.384-21T>A

Gene: SCN1A (sodium voltage-gated channel alpha subunit 1; minus strand). Cytogenetic location: 2q24.3.
Variant type: single nucleotide variant.
Coding change: c.384-21T>A on transcript NM_001165963.4 (MANE Select); 21 bases into the intron before coding-DNA position 384, T replaced by A.
Molecular consequence: intron variant.
Genome position (GRCh38, 1-based): chr2:166,056,521, A>T on the plus strand (T>A on the coding strand, the complement: SCN1A is on the minus strand). VCF-style: chr2-166056521-A-T. GRCh37 (hg19) VCF-style: chr2-166913031-A-T.
Other names: c.384-21T>A (NM_001202435.1, NM_001353949.2, NM_001353958.2 and 11 more transcripts); c.-2042-21T>A (NM_001353961.2).
Identifiers: ClinVar variation 530611 (VCV000530611.21), dbSNP rs373168416, ClinGen allele CA1943518.
Genomic context (GRCh38, chr2:166,056,521, plus strand): 5'-GTTTGTCAAAATAGTGCACATAATTAGCATGCTGAATAATGTAGGTTATTGTTAAGGAAC[A>T]CACAAAAGAAAATCAAAATCCAAGTGTTATATTACAAAAAGCTAACATTGAAAAGCCCAA-3'